The following is an entry in ClinVar:

NM_014141.6(CNTNAP2):c.2555-3C>T

Gene: CNTNAP2 (contactin associated protein 2; plus strand). Cytogenetic location: 7q35.
Variant type: single nucleotide variant.
Coding change: c.2555-3C>T on transcript NM_014141.6 (MANE Select); 3 bases into the intron before coding-DNA position 2555, C replaced by T.
Molecular consequence: intron variant.
Genome position (GRCh38, 1-based): chr7:148,147,488, C>T. VCF-style: chr7-148147488-C-T. GRCh37 (hg19) VCF-style: chr7-147844580-C-T.
Identifiers: ClinVar variation 857291 (VCV000857291.8), dbSNP rs369046214, ClinGen allele CA4546439.

ClinVar aggregate classification (germline): Uncertain significance (1 of 4 stars; one submission).

Conditions:
Cortical dysplasia-focal epilepsy syndrome (PTHSL1). Also called: Pitt-Hopkins-like syndrome 1. Identifiers: Orphanet 163681, Orphanet 221150, MedGen C2750246, MONDO:0012400, OMIM 610042.

Allele frequency attached by ClinVar (database versions not stated): gnomAD exomes 0.00001; ExAC 0.00002; TOPMed 0.00002; gnomAD 0.00003 and 0.00004; ESP Exome Variant Server 0.00008.
gnomAD v4.1: 7 of 1,613,878 alleles (0.00043%); highest among the groups gnomAD compares: African/African-American, 0.0093%; no homozygotes.

Submission:

Labcorp Genetics (formerly Invitae), Labcorp
Classification: Uncertain significance for Cortical dysplasia-focal epilepsy syndrome. Last evaluated: 2022-03-19. Review status: criteria provided, single submitter. Criteria: Invitae Variant Classification Sherloc (09022015). Collection method: clinical testing. Allele origin: germline.
Comment: In summary, the available evidence is currently insufficient to determine the role of this variant in disease. Therefore, it has been classified as a Variant of Uncertain Significance. Variants that disrupt the consensus splice site are a relatively common cause of aberrant splicing (PMID: 17576681, 9536098). Algorithms developed to predict the effect of sequence changes on RNA splicing suggest that this variant is not likely to affect RNA splicing. ClinVar contains an entry for this variant (Variation ID: 857291). This variant has not been reported in the literature in individuals affected with CNTNAP2-related conditions. This variant is present in population databases (rs369046214, gnomAD 0.02%). This sequence change falls in intron 16 of the CNTNAP2 gene. It does not directly change the encoded amino acid sequence of the CNTNAP2 protein. It affects a nucleotide within the consensus splice site.

Literature cited by the submitters: PubMed 17576681; PubMed 9536098.